The following is an entry in ClinVar:

NR_003137.3(RNU4-2):n.64dup

Genes: RNU4-2 (RNA, U4 small nuclear 2; minus strand), SIRT4 (sirtuin 4; plus strand). Cytogenetic location: 12q24.23.
Variant type: Duplication.
Molecular consequence: non-coding transcript variant (on NR_003137.3).
Genome position: GRCh38 VCF-style: chr12-120291839-T-TC. GRCh37 (hg19) VCF-style: chr12-120729642-T-TC.
Identifiers: ClinVar variation 3766435 (VCV003766435.6).

ClinVar aggregate classification (germline): Pathogenic/Likely pathogenic. Review status: criteria provided, multiple submitters, no conflicts (2 of 4 stars). 4 submissions from 4 submitters: Pathogenic (1); Likely pathogenic (3). Last evaluated 2026-02-01.

Conditions:
Neurodevelopmental disorder with hypotonia, brain anomalies, distinctive facies, and absent language. Also called: RNU4-2-Related Neurodevelopmental Disorder; RNU4-2–Related Autosomal Dominant Neurodevelopmental Disorder; ReNU SYNDROME. Identifiers: Orphanet 686488, MedGen C5935628, MONDO:0971172, OMIM 620851.

Submissions (4):

CeGaT Center for Human Genetics Tuebingen
Classification: Pathogenic. Last evaluated: 2026-02-01. Review status: criteria provided, single submitter. Criteria: CeGaT Center For Human Genetics Tuebingen Variant Classification Criteria Version 2. Collection method: clinical testing. Allele origin: germline. Affected: yes. Observed: 1 variant allele.
Comment: RNU4-2: PS2:Very Strong, PS4, PM2

3billion
Classification: Likely pathogenic for Neurodevelopmental disorder with hypotonia, brain anomalies, distinctive facies, and absent language. Last evaluated: 2025-12-01. Review status: criteria provided, single submitter. Criteria: ACMG Guidelines, 2015. Collection method: clinical testing. Allele origin: germline. Affected: yes.
Comment: The variant is not observed in the gnomAD v4.1.0 dataset. Predicted Consequence/Location: non_coding_transcript_exon_variant The variant has been previously reported as de novo in a similarly affected individual (PMID: 38821540). The variant has been reported to be associated with RNU4-2-related disorder (ClinVar ID: VCV003766435 /PMID: 38821540 /3billion dataset). Therefore, this variant is classified as Likely pathogenic according to the recommendation of ACMG/AMP guideline.

Variantyx, Inc.
Classification: Likely pathogenic for Neurodevelopmental disorder with hypotonia, brain anomalies, distinctive facies, and absent language. Last evaluated: 2025-05-08. Review status: criteria provided, single submitter. Criteria: Variantyx Assertion Criteria 2022. Collection method: clinical testing. Allele origin: de novo. Inheritance: Autosomal dominant inheritance. Affected: yes.
Comment: This is an intronic variant in the RNU4-2 gene (OMIM: 620823). Pathogenic variants in this gene have been associated with autosomal dominant ReNU syndrome. The alteration lies within a known hotspot for pathogenic variants or a well-established critical functional domain of the RNU4-2 protein (PMID: 40011755) (PM1) and it is absent from control populations (PM2). Based on the current evidence, this variant is classified as likely pathogenic for autosomal dominant ReNU syndrome.

Institute for Human Genetics, University Hospital Essen
Classification: Likely pathogenic for Neurodevelopmental disorder with hypotonia, brain anomalies, distinctive facies, and absent language. Last evaluated: 2005-03-05. Review status: criteria provided, single submitter. Criteria: ACMG Guidelines, 2015. Collection method: clinical testing. Allele origin: de novo. Inheritance: Autosomal dominant inheritance. Affected: yes.
Comment: PM2_supp, PS2, PM1

Literature cited by the submitters: PubMed 38821540 (cited by 3billion); PubMed 40011755 (cited by Variantyx, Inc.).